The following is an entry in ClinVar:

ClinVar aggregate classification (germline): Conflicting classifications of pathogenicity. Review status: criteria provided, conflicting classifications (1 of 4 stars). 13 submissions from 13 submitters: Uncertain significance (8); Likely benign (2). 3 of the submissions do not count toward it. Last evaluated 2025-12-31.

Conditions:
Cardiac arrhythmia. Also called: Cardiac rhythm disease; Arrhythmia. Identifiers: MedGen C0003811, MONDO:0007263, HP:0011675.
Familial long QT syndrome (RWS). Also called: Romano-Ward syndrome; VENTRICULAR FIBRILLATION WITH PROLONGED QT INTERVAL; Congenital long QT syndrome. Identifiers: Orphanet 768, MedGen C1141890, MONDO:0019171.
Cardiovascular phenotype. Identifiers: MedGen CN230736.
Short QT syndrome type 1. Identifiers: Orphanet 51083, MedGen C1865020, MONDO:0012312, OMIM 609620.
Long QT syndrome 2 (LQT2). Identifiers: Orphanet 101016, Orphanet 768, MedGen C3150943, MONDO:0013367, OMIM 613688.
Long QT syndrome (LQTS). Identifiers: MedGen C0023976, MeSH D008133, MONDO:0002442. Disease mechanism: loss of function. Inheritance: Various modes of inheritance.

Allele frequency attached by ClinVar (database versions not stated): gnomAD exomes 0.00014 and 0.00035; ExAC below 0.00001; gnomAD 0.00013 and 0.00028; TOPMed 0.00039.
gnomAD v4.1: 517 of 1,530,080 alleles (0.034%); highest among the groups gnomAD compares: Non-Finnish European, 0.042%; no homozygotes.

Submissions 1 to 7 of 13:

Labcorp Genetics (formerly Invitae), Labcorp
Classification: Uncertain significance for Long QT syndrome. Last evaluated: 2025-12-31. Review status: criteria provided, single submitter. Criteria: Invitae Variant Classification Sherloc (09022015). Collection method: clinical testing. Allele origin: germline.
Comment: This sequence change replaces glycine, which is neutral and non-polar, with arginine, which is basic and polar, at codon 903 of the KCNH2 protein (p.Gly903Arg). This variant is present in population databases (rs199473669, gnomAD 0.02%). This missense change has been observed in individual(s) with long QT syndrome or Brugada syndrome (PMID: 19716085, 27000522, 37937776). ClinVar contains an entry for this variant (Variation ID: 67428). An algorithm developed to predict the effect of missense changes on protein structure and function (PolyPhen-2) suggests that this variant is likely to be tolerated. Experimental studies are conflicting or provide insufficient evidence to determine the effect of this variant on KCNH2 function (PMID: 31557540). In summary, the available evidence is currently insufficient to determine the role of this variant in disease. Therefore, it has been classified as a Variant of Uncertain Significance.

GeneDx
Classification: Uncertain significance. Last evaluated: 2025-06-25. Review status: criteria provided, single submitter. Criteria: GeneDx Variant Classification Process June 2021. Collection method: clinical testing. Allele origin: germline. Affected: yes.
Comment: Identified in patients with LQTS and sudden death referred for genetic testing at GeneDx and in published literature (PMID: 19716085, 34002542, 27000522); One in vitro functional study suggests p.(G903R) may alter the kinetic properties of potassium channel; however, another in vitro functional study suggests this variant has minimal effect on channel function (PMID: 34002542, 31557540); In silico analysis suggests that this missense variant does not alter protein structure/function; This variant is associated with the following publications: (PMID: 28988457, 19716085, 26746457, 32048431, 31737537, 30847666, 34002542, 36860515, 27000522, 37589201, 31557540, 37937776)

Color Diagnostics, LLC DBA Color Health
Classification: Uncertain significance for Cardiac arrhythmia. Last evaluated: 2025-03-31. Review status: criteria provided, single submitter. Criteria: ACMG Guidelines, 2015. Collection method: clinical testing. Allele origin: germline.
Comment: This missense variant replaces glycine with arginine at codon 903 of the KCNH2 protein. This variant is located within the conserved cytoplasmic domain (a.a. 660-1159) of the KCNH2 protein. Rare non-truncating variants in this region have been shown to be significantly overrepresented in individuals with long QT syndrome (PMID: 32893267). Computational prediction suggests that this variant may have a deleterious impact on protein structure and function. Functional studies have shown that this variant does not change protein expression levels and has no or a mild impact on the potassium channel function (PMID: 31557540, 34002542). This variant has been reported in three individuals referred for long QT syndrome genetic testing (PMID: 19716085) and in an individual affected with epilepsy (PMID: 34002542). This variant has also been reported in individuals affected with sudden death, and in family members who had prolonged QTc interval (PMID: 27000522, 37449562, 37589201). This variant has been reported at a frequency of 0.097% in a large population study, demonstrating no significant correlation with prolonged QTc intervals in the Icelandic population (PMID: 37449562). This variant has been identified in 19/157684 chromosomes in the general population by the Genome Aggregation Database (gnomAD). The available evidence is insufficient to determine the role of this variant in disease conclusively. Therefore, this variant is classified as a Variant of Uncertain Significance.

All of Us Research Program, National Institutes of Health
Classification: Uncertain significance for Long QT syndrome. Last evaluated: 2024-07-10. Review status: criteria provided, single submitter. Criteria: ACMG Guidelines, 2015. Collection method: clinical testing. Allele origin: germline. Inheritance: Autosomal dominant inheritance. Observed: 56 variant alleles, 56 heterozygotes.
Comment: This missense variant replaces glycine with arginine at codon 903 of the KCNH2 protein. Computational prediction suggests that this variant may have deleterious impact on protein structure and function (internally defined REVEL score threshold >= 0.7, PMID: 27666373). Functional studies have shown that this variant does not change protein expression levels and has no or a mild impact on the potassium channel function (PMID: 31557540, 34002542). This variant has been reported in three individuals referred for long QT syndrome genetic testing (PMID: 19716085) and in an individual affected with epilepsy (PMID: 34002542). This variant has also been reported in individuals affected with sudden death, and in family members who had prolonged QTc interval (PMID: 27000522, 37449562, 37589201). This variant has been reported at a frequency of 0.097% in a large population study, demonstrating no significant correlation with prolonged QTc intervals in the Icelandic population (PMID: 37449562). This variant has been identified in 19/157684 chromosomes in the general population by the Genome Aggregation Database (gnomAD). The available evidence is insufficient to determine the role of this variant in disease conclusively. Therefore, this variant is classified as a Variant of Uncertain Significance.

This study involves interpretation of variants in research participants for the purpose of population health screening. Participant phenotype was not available at the time of variant classification. Additional details can be found in publication PMID: 35346344, PMCID: PMC8962531

Blueprint Genetics
Classification: Likely benign. Last evaluated: 2024-07-03. Review status: criteria provided, single submitter. Criteria: ACMG Guidelines, 2015. Collection method: clinical testing. Allele origin: germline.

Women's Health and Genetics/Laboratory Corporation of America, LabCorp
Classification: Uncertain significance. Last evaluated: 2024-04-26. Review status: criteria provided, single submitter. Criteria: LabCorp Variant Classification Summary - May 2015. Collection method: clinical testing. Allele origin: germline.
Comment: Variant summary: KCNH2 c.2707G>A (p.Gly903Arg) results in a non-conservative amino acid change in the encoded protein sequence. Three of five in-silico tools predict a damaging effect of the variant on protein function. The variant allele was found at a frequency of 0.00014 in 126304 control chromosomes. The observed variant frequency is approximately 1.43 fold of the estimated maximal expected allele frequency for a pathogenic variant in KCNH2 causing long QT syndrome (0.0001), suggesting that the variant may be benign. c.2707G>A has been reported in the literature in at least 5 individuals who underwent genetic testing for arrhythmia, at least one individual with epilepsy, and at least one individual who died suddenly as well as a family member with a prolonged QT interval (eg., Kapplinger_2009, Cann_2016, Marschall_2019, van Lint_2019, Soh_2021). However, these data do not allow any conclusion about variant significance. At least two publications report experimental evidence evaluating an impact on protein function; one study demonstrates the variant has a mild effect on channel deactivation kinetics, however both studies conclude there is no effect on protein expression levels when compared to wild type (Ng_2020, Soh_2021). The following publications have been ascertained in the context of this evaluation (PMID: 27000522, 19716085, 31737537, 31557540, 34002542, 30847666). ClinVar contains an entry for this variant (Variation ID: 67428). Based on the evidence outlined above, the variant was classified as VUS-possibly benign.

Ambry Genetics
Classification: Likely benign for Cardiovascular phenotype. Last evaluated: 2022-09-06. Review status: criteria provided, single submitter. Criteria: Ambry Variant Classification Scheme 2023. Collection method: clinical testing. Allele origin: germline.

NM_000238.4(KCNH2):c.2707G>A (p.Gly903Arg)

Gene: KCNH2 (potassium voltage-gated channel subfamily H member 2; minus strand). Cytogenetic location: 7q36.1.
Variant type: single nucleotide variant.
Coding change: c.2707G>A on transcript NM_000238.4 (MANE Select); coding-DNA position 2707, G replaced by A.
Protein change: p.Gly903Arg; replaces glycine 903 with arginine.
Molecular consequence: missense variant.
Genome position (GRCh38, 1-based): chr7:150,947,864, C>T on the plus strand (G>A on the coding strand, the complement: KCNH2 is on the minus strand). VCF-style: chr7-150947864-C-T. GRCh37 (hg19) VCF-style: chr7-150644952-C-T.
Other names: p.G903R:GGG>AGG; c.2707G>A (LRG_288t1); c.2419G>A, p.Gly807Arg (NM_001406753.1); c.1687G>A, p.Gly563Arg (NM_172057.3); short protein forms G563R, G903R, G807R.
Identifiers: ClinVar variation 67428 (VCV000067428.43), dbSNP rs199473669, ClinGen allele CA007192.